The following is an entry in ClinVar:

ClinVar aggregate classification (germline): Uncertain significance (1 of 4 stars; one submission).

Conditions:
Visceral neuropathy, familial, 1, autosomal recessive (VSCN1). Identifiers: Orphanet 99811, MedGen C1855733, MONDO:8000011, OMIM 243180.

Submission:

Clinical Genomics Laboratory, Washington University in St. Louis
Classification: Uncertain significance for Visceral neuropathy, familial, 1, autosomal recessive. Last evaluated: 2025-10-06. Review status: criteria provided, single submitter. Criteria: ACMG Guidelines, 2015. Collection method: clinical testing. Allele origin: germline.
Comment: The ERBB3 c.580T>C (p.Cys194Arg) variant, to our knowledge, has not been reported in the medical literature. This variant is absent from the general population (gnomAD v.2.1.1), indicating it is not a common variant. Computational predictors indicate that the variant is damaging, evidence that correlates with impact on ERBB3 function. Due to limited information, the clinical significance of this variant is uncertain.

NM_001982.4(ERBB3):c.580T>C (p.Cys194Arg)

Gene: ERBB3 (erb-b2 receptor tyrosine kinase 3; plus strand). Cytogenetic location: 12q13.2.
Variant type: single nucleotide variant.
Coding change: c.580T>C on transcript NM_001982.4 (MANE Select); coding-DNA position 580, T replaced by C.
Protein change: p.Cys194Arg; replaces cysteine 194 with arginine.
Molecular consequence: missense variant.
Genome position (GRCh38, 1-based): chr12:56,087,609, T>C. VCF-style: chr12-56087609-T-C. GRCh37 (hg19) VCF-style: chr12-56481393-T-C.
Other names: short protein forms C194R.
Identifiers: ClinVar variation 4879218 (VCV004879218.1).
Genomic context (GRCh38, chr12:56,087,609, plus strand): 5'-CCCTTGTGTTGCCTTCCTTCCCAACCAGGTCCCCCCTGTCATGAGGTTTGCAAGGGGCGA[T>C]GCTGGGGTCCTGGATCAGAAGACTGCCAGACATGTGGGTTTGAAATTCCCTCCAAAAACT-3'
Protein context (NP_001973.2, residues 184-204): PPCHEVCKGR[Cys194Arg]WGPGSEDCQT